The following is an entry in ClinVar:

NM_022124.6(CDH23):c.9015G>A (p.Ala3005=)

Gene: CDH23 (cadherin related 23; plus strand). Cytogenetic location: 10q22.1.
Variant type: single nucleotide variant.
Coding change: c.9015G>A on transcript NM_022124.6 (MANE Select); coding-DNA position 9015, G replaced by A.
Protein change: p.Ala3005=; no amino-acid change (alanine 3005 retained).
Molecular consequence: synonymous variant.
Genome position (GRCh38, 1-based): chr10:71,810,507, G>A. VCF-style: chr10-71810507-G-A. GRCh37 (hg19) VCF-style: chr10-73570264-G-A.
Other names: p.A3005A:GCG>GCA; c.2295G>A, p.Ala765= (NM_001171933.1, NM_001171934.1).
Identifiers: ClinVar variation 46065 (VCV000046065.61), dbSNP rs376497158, ClinGen allele CA137625.

ClinVar aggregate classification (germline): Conflicting classifications of pathogenicity. Review status: criteria provided, conflicting classifications (1 of 4 stars). 9 submissions from 8 submitters: Uncertain significance (2); Benign (4); Likely benign (2). 1 of the submissions does not count toward it. Last evaluated 2026-08-01.

Conditions:
CDH23-related disorder. Also called: CDH23-related disorders; CDH23-related condition.
Usher syndrome type 1 (USH1). Also called: RETINITIS PIGMENTOSA AND CONGENITAL DEAFNESS. Identifiers: Orphanet 231169, Orphanet 886, MedGen C1568247, MONDO:0010168, OMIM 276900.
Usher syndrome type 1D (USH1D). Also called: USHER SYNDROME, TYPE ID. Identifiers: Orphanet 231169, Orphanet 886, MedGen C1832845, MONDO:0010984, OMIM 601067.
Autosomal recessive nonsyndromic hearing loss 12. Also called: DEAFNESS, AUTOSOMAL RECESSIVE 12. Identifiers: Orphanet 90636, MedGen C1832394, MONDO:0011067, OMIM 601386.

Allele frequency attached by ClinVar (database versions not stated): 1000 Genomes Project 0.00240; gnomAD 0.00379; ESP Exome Variant Server 0.00392; TOPMed 0.00435; 1000 Genomes Project 30x 0.00234.
gnomAD v4.1: 8,100 of 1,613,974 alleles (0.5%); highest among the groups gnomAD compares: Non-Finnish European, 0.59%; 32 homozygotes.

Submissions (9):

CeGaT Center for Human Genetics Tuebingen
Classification: Likely benign. Last evaluated: 2026-08-01. Review status: criteria provided, single submitter. Criteria: CeGaT Center For Human Genetics Tuebingen Variant Classification Criteria Version 2. Collection method: clinical testing. Allele origin: germline. Affected: yes. Observed: 16 variant alleles.
Comment: CDH23: BP4, BP7, BS2

Labcorp Genetics (formerly Invitae), Labcorp
Classification: Benign. Last evaluated: 2026-01-31. Review status: criteria provided, single submitter. Criteria: Invitae Variant Classification Sherloc (09022015). Collection method: clinical testing. Allele origin: germline.

PreventionGenetics, part of Exact Sciences
Classification: Likely benign for CDH23-related condition. Last evaluated: 2025-09-25. Review status: criteria provided, single submitter. Criteria: ACMG Guidelines, 2015. Collection method: clinical testing. Allele origin: germline.
Comment: This variant is classified as likely benign based on ACMG/AMP sequence variant interpretation guidelines (Richards et al. 2015 PMID: 25741868, with internal and published modifications).

Illumina Laboratory Services, Illumina
Classification: Uncertain significance for Autosomal recessive nonsyndromic hearing loss 12. Last evaluated: 2018-01-13. Review status: criteria provided, single submitter. Criteria: ICSL Variant Classification Criteria 13 December 2019. Collection method: clinical testing. Allele origin: germline.

Illumina Laboratory Services, Illumina
Classification: Uncertain significance for Usher syndrome type 1D. Last evaluated: 2018-01-13. Review status: criteria provided, single submitter. Criteria: ICSL Variant Classification Criteria 13 December 2019. Collection method: clinical testing. Allele origin: germline.

GeneDx
Classification: Benign. Last evaluated: 2014-04-18. Review status: criteria provided, single submitter. Criteria: GeneDx Variant Classification (06012015). Collection method: clinical testing. Allele origin: germline. Affected: yes.
Comment: This variant is considered likely benign or benign based on one or more of the following criteria: it is a conservative change, it occurs at a poorly conserved position in the protein, it is predicted to be benign by multiple in silico algorithms, and/or has population frequency not consistent with disease.

Eurofins Ntd Llc (ga)
Classification: Benign. Last evaluated: 2014-04-16. Review status: criteria provided, single submitter. Criteria: EGL Classification Definitions 2015. Collection method: clinical testing. Allele origin: germline. Observed: 1 variant allele, 1 heterozygote.

Laboratory for Molecular Medicine, Mass General Brigham Personalized Medicine
Classification: Benign. Last evaluated: 2012-04-30. Review status: criteria provided, single submitter. Criteria: LMM Criteria. Collection method: clinical testing. Allele origin: germline. Observed: 18 variant alleles.
Comment: Ala3005Ala in exon 62 of CDH23: This variant is not expected to have clinical si gnificance because it does not alter an amino acid residue, is not located near a splice junction, has been identified in 0.4% (30/6796) of European American ch romosomes from a broad population by the NHLBI Exome sequencing project (dbSNP rs41304884), and is reported as benign in one publication (Astuto 2002).

Natera, Inc.
Classification: Benign for Usher syndrome type 1. Last evaluated: 2020-09-16. Review status: no assertion criteria provided. Collection method: clinical testing. Allele origin: germline. Not counted in ClinVar's aggregate classification.

Literature cited by the submitters: PubMed 12075507 (cited by Laboratory for Molecular Medicine, Mass General Brigham Personalized Medicine).